The following is an entry in ClinVar:

ClinVar aggregate classification (germline): Uncertain significance. Review status: criteria provided, multiple submitters, no conflicts (2 of 4 stars). 3 submissions from 3 submitters: Uncertain significance (2). 1 of the submissions does not count toward it. Last evaluated 2024-11-11.

Conditions:
AASS-related disorder. Also called: AASS-related condition.

Allele frequency attached by ClinVar (database versions not stated): TOPMed below 0.00001; ExAC 0.00001; gnomAD 0.00001; gnomAD exomes 0.00001.
gnomAD v4.1: 28 of 1,614,014 alleles (0.0017%); highest among the groups gnomAD compares: Middle Eastern, 0.033%; no homozygotes.

Submissions (3):

Blueprint Genetics
Classification: Uncertain significance. Last evaluated: 2024-11-11. Review status: criteria provided, single submitter. Criteria: ACMG Guidelines, 2015. Collection method: clinical testing. Allele origin: germline.

Center for Pediatric Genomic Medicine, Children's Mercy Hospital and Clinics
Classification: Uncertain significance. Last evaluated: 2017-05-09. Review status: criteria provided, single submitter. Criteria: ACMG Guidelines, 2015. Collection method: clinical testing. Allele origin: germline.

PreventionGenetics, part of Exact Sciences
Classification: Uncertain significance for AASS-related condition. Last evaluated: 2023-12-17. Review status: no assertion criteria provided. Collection method: clinical testing. Allele origin: germline. Not counted in ClinVar's aggregate classification.
Comment: The AASS c.1708A>G variant is predicted to result in the amino acid substitution p.Lys570Glu. To our knowledge, this variant has not been reported in the literature. This variant is reported in 0.00088% of alleles in individuals of European (Non-Finnish) descent in gnomAD. At this time, the clinical significance of this variant is uncertain due to the absence of conclusive functional and genetic evidence.

NM_005763.4(AASS):c.1708A>G (p.Lys570Glu)

Gene: AASS (aminoadipate-semialdehyde synthase; minus strand). Cytogenetic location: 7q31.32.
Variant type: single nucleotide variant.
Coding change: c.1708A>G on transcript NM_005763.4 (MANE Select); coding-DNA position 1708, A replaced by G.
Protein change: p.Lys570Glu; replaces lysine 570 with glutamic acid.
Molecular consequence: missense variant.
Genome position (GRCh38, 1-based): chr7:122,093,106, T>C on the plus strand (A>G on the coding strand, the complement: AASS is on the minus strand). VCF-style: chr7-122093106-T-C. GRCh37 (hg19) VCF-style: chr7-121733160-T-C.
Other names: c.1708A>G (NM_005763.3); short protein forms K570E.
Identifiers: ClinVar variation 445665 (VCV000445665.5), dbSNP rs749306292, ClinGen allele CA4458252.